The following is an entry in ClinVar:

NM_003321.5(TUFM):c.1196A>G (p.Glu399Gly)

Gene: TUFM (Tu translation elongation factor, mitochondrial; minus strand). Cytogenetic location: 16p11.2.
Variant type: single nucleotide variant.
Coding change: c.1196A>G on transcript NM_003321.5 (MANE Select); coding-DNA position 1196, A replaced by G.
Protein change: p.Glu399Gly; replaces glutamic acid 399 with glycine.
Molecular consequence: missense variant.
Genome position (GRCh38, 1-based): chr16:28,843,147, T>C on the plus strand (A>G on the coding strand, the complement: TUFM is on the minus strand). VCF-style: chr16-28843147-T-C. GRCh37 (hg19) VCF-style: chr16-28854468-T-C.
Other names: c.1112A>G, p.Glu371Gly (NM_001365360.2); short protein forms E399G, E371G.
Identifiers: ClinVar variation 215312 (VCV000215312.2), dbSNP rs863224246, ClinGen allele CA323745.

ClinVar aggregate classification (germline): Likely pathogenic (1 of 4 stars; one submission).

Allele frequency attached by ClinVar (database versions not stated): gnomAD exomes below 0.00001.
gnomAD v4.1: 1 of 1,614,164 alleles (0.000062%); highest among the groups gnomAD compares: Non-Finnish European, 0.000085%; no homozygotes.

Submission:

GeneDx
Classification: Likely pathogenic. Last evaluated: 2013-12-27. Review status: criteria provided, single submitter. Criteria: GeneDx Variant Classification (06012015). Collection method: clinical testing. Allele origin: germline. Affected: yes.
Comment: p.Glu399Gly (GAG>GGG): c.1196 A>G in exon 10 of the TUFM gene (NM_003321.4). The E399G missense change that is likely pathogenic was identified in the TUFM gene. Mutations in the TUFM gene are associated with the autosomal recessive disorder combined oxidative phosphorylation deficiency 4. It has not been published as a mutation, nor has it been reported as a benign polymorphism to our knowledge. The amino acid change is non-conservative as a large, negatively charged Glutamic Acid residue is replaced by a small, uncharged Glycine residue. This change occurs at a conserved position in the TUFM protein, and multiple in-silico analysis programs predict that E399G is damaging to the TUFM protein. Therefore, E399G is a strong candidate for a disease-causing mutation, however the possibility that it is a benign variant cannot be excluded. The variant is found in MITONUC-MITOP panel(s).